The following is an entry in ClinVar:

NM_003140.3(SRY):c.22_23del (p.Met8fs)

Gene: SRY (sex determining region Y; minus strand). Cytogenetic location: Yp11.2.
Variant type: Deletion.
Coding change: c.22_23del on transcript NM_003140.3 (MANE Select); coding-DNA positions 22 to 23, 2 bases deleted (AT; older notation c.22_23delAT).
Protein change: p.Met8fs; shifts the reading frame from methionine 8.
Molecular consequence: frameshift variant.
Genome position (GRCh38, 1-based): chrY:2,787,581-2,787,582, AT deleted on the plus strand (AT on the coding strand, the reverse complement: SRY is on the minus strand); deleting any 2 consecutive bases within chrY:2,787,581-2,787,583 gives the same sequence; the c. name uses the placement nearest the transcript's 3' end. VCF-style (leftmost placement, unchanged base first): chrY-2787580-CAT-C. GRCh37 (hg19) VCF-style: chrY-2655621-CAT-C.
Other names: short protein forms M8fs.
Identifiers: ClinVar variation 3652585 (VCV003652585.2).

ClinVar aggregate classification (germline): Pathogenic (1 of 4 stars; one submission).

Conditions:
46,XY sex reversal 1. Also called: SRY-related 46,XY complete gonadal dysgenesis; 46,XY SEX REVERSAL, SRY-RELATED. Identifiers: Orphanet 242, MedGen C2748896, MONDO:0020712, OMIM 400044.

Submission:

Labcorp Genetics (formerly Invitae), Labcorp
Classification: Pathogenic for 46,XY sex reversal 1. Last evaluated: 2024-05-07. Review status: criteria provided, single submitter. Criteria: Invitae Variant Classification Sherloc (09022015). Collection method: clinical testing. Allele origin: germline.
Comment: This sequence change creates a premature translational stop signal (p.Met8Valfs*8) in the SRY gene. While this is not anticipated to result in nonsense mediated decay, it is expected to disrupt the last 197 amino acid(s) of the SRY protein. The frequency data for this variant in the population databases is considered unreliable, as metrics indicate insufficient coverage at this position in the gnomAD database. This variant has not been reported in the literature in individuals affected with SRY-related conditions. This variant disrupts a region of the SRY protein in which other variant(s) (p.Ser88*) have been determined to be pathogenic (Invitae). This suggests that this is a clinically significant region of the protein, and that variants that disrupt it are likely to be disease-causing. For these reasons, this variant has been classified as Pathogenic.